The following is an entry in ClinVar:

NM_001122764.3(PPOX):c.1010C>G (p.Ser337Cys)

Gene: PPOX (protoporphyrinogen oxidase; plus strand). Cytogenetic location: 1q23.3.
Variant type: single nucleotide variant.
Coding change: c.1010C>G on transcript NM_001122764.3 (MANE Select); coding-DNA position 1010, C replaced by G.
Protein change: p.Ser337Cys; replaces serine 337 with cysteine.
Molecular consequence: missense variant. On other transcripts: intron variant (1).
Genome position (GRCh38, 1-based): chr1:161,170,431, C>G. VCF-style: chr1-161170431-C-G. GRCh37 (hg19) VCF-style: chr1-161140221-C-G.
Other names: c.1010C>G, p.Ser337Cys (NM_000309.5, NM_001365398.1); c.911C>G, p.Ser304Cys (NM_001350128.2); c.602C>G, p.Ser201Cys (NM_001350129.2, NM_001365400.1); c.524C>G, p.Ser175Cys (NM_001350130.2, NM_001350131.2, NM_001365401.1); c.988-189C>G (NM_001365399.1); short protein forms S175C, S201C, S304C, S337C.
Identifiers: ClinVar variation 3606500 (VCV003606500.2).
Genomic context (GRCh38, chr1:161,170,431, plus strand): 5'-GCCCTTTCCTTCTGACGCATGAATGTCCTTCTCTCCAGGGATTTGGACATTTGGTGCCAT[C>G]TTCAGAAGATCCAGGAGTCCTGGGAATCGTGTATGACTCAGTTGCTTTCCCTGAGCAGGA-3'
Protein context (NP_001116236.1, residues 327-347): PVQGFGHLVP[Ser337Cys]SEDPGVLGIV

ClinVar aggregate classification (germline): Uncertain significance (1 of 4 stars; one submission).

gnomAD v4.1: 6 of 1,608,302 alleles (0.00037%); highest among the groups gnomAD compares: African/African-American, 0.0081%; no homozygotes.

Submission:

Labcorp Genetics (formerly Invitae), Labcorp
Classification: Uncertain significance. Last evaluated: 2025-06-12. Review status: criteria provided, single submitter. Criteria: Invitae Variant Classification Sherloc (09022015). Collection method: clinical testing. Allele origin: germline.
Comment: This sequence change replaces serine, which is neutral and polar, with cysteine, which is neutral and slightly polar, at codon 337 of the PPOX protein (p.Ser337Cys). This variant is present in population databases (rs140067116, gnomAD 0.008%). This variant has not been reported in the literature in individuals affected with PPOX-related conditions. ClinVar contains an entry for this variant (Variation ID: 3606500). Invitae Evidence Modeling of protein sequence and biophysical properties (such as structural, functional, and spatial information, amino acid conservation, physicochemical variation, residue mobility, and thermodynamic stability) indicates that this missense variant is expected to disrupt PPOX protein function with a positive predictive value of 95%. In summary, the available evidence is currently insufficient to determine the role of this variant in disease. Therefore, it has been classified as a Variant of Uncertain Significance.